The following is an entry in ClinVar:

NM_001291415.2(KDM6A):c.3206C>G (p.Thr1069Arg)

Gene: KDM6A (lysine demethylase 6A; plus strand). Cytogenetic location: Xp11.3.
Variant type: single nucleotide variant.
Coding change: c.3206C>G on transcript NM_001291415.2 (MANE Select); coding-DNA position 3206, C replaced by G.
Protein change: p.Thr1069Arg; replaces threonine 1069 with arginine.
Molecular consequence: missense variant. On other transcripts: non-coding transcript variant (1).
Genome position (GRCh38, 1-based): chrX:45,079,257, C>G. VCF-style: chrX-45079257-C-G. GRCh37 (hg19) VCF-style: chrX-44938502-C-G.
Other names: c.3071C>G, p.Thr1024Arg (NM_001291416.2); c.2915C>G, p.Thr972Arg (NM_001291417.2); c.2813C>G, p.Thr938Arg (NM_001291418.2); c.2162C>G, p.Thr721Arg (NM_001291421.2); c.3050C>G, p.Thr1017Arg (NM_021140.4); short protein forms T1017R, T1024R, T1069R, T721R, T938R, T972R.
Identifiers: ClinVar variation 1390609 (VCV001390609.8), dbSNP rs754171997, ClinGen allele CA412801568.

ClinVar aggregate classification (germline): Uncertain significance (1 of 4 stars; one submission).

Conditions:
Kabuki syndrome 2 (KABUK2). Also called: KDM6A-Related Kabuki Syndrome. Identifiers: Orphanet 2322, MedGen C3275495, MONDO:0010465, OMIM 300867.

Allele frequency attached by ClinVar (database versions not stated): gnomAD exomes below 0.00001.
gnomAD v4.1: 1 of 1,206,186 alleles (0.000083%); highest among the groups gnomAD compares: South Asian, 0.0018%; no homozygotes.

Submission:

Labcorp Genetics (formerly Invitae), Labcorp
Classification: Uncertain significance for Kabuki syndrome 2. Last evaluated: 2023-12-11. Review status: criteria provided, single submitter. Criteria: Invitae Variant Classification Sherloc (09022015). Collection method: clinical testing. Allele origin: germline.
Comment: This sequence change replaces threonine, which is neutral and polar, with arginine, which is basic and polar, at codon 1017 of the KDM6A protein (p.Thr1017Arg). This variant is not present in population databases (gnomAD no frequency). This variant has not been reported in the literature in individuals affected with KDM6A-related conditions. ClinVar contains an entry for this variant (Variation ID: 1390609). Advanced modeling of protein sequence and biophysical properties (such as structural, functional, and spatial information, amino acid conservation, physicochemical variation, residue mobility, and thermodynamic stability) performed at Invitae indicates that this missense variant is not expected to disrupt KDM6A protein function with a negative predictive value of 80%. In summary, the available evidence is currently insufficient to determine the role of this variant in disease. Therefore, it has been classified as a Variant of Uncertain Significance.